The following is an entry in ClinVar:

NM_001943.5(DSG2):c.520G>T (p.Ala174Ser)

Gene: DSG2 (desmoglein 2; plus strand). Cytogenetic location: 18q12.1.
Variant type: single nucleotide variant.
Coding change: c.520G>T on transcript NM_001943.5 (MANE Select); coding-DNA position 520, G replaced by T.
Protein change: p.Ala174Ser; replaces alanine 174 with serine.
Molecular consequence: missense variant.
Genome position (GRCh38, 1-based): chr18:31,521,240, G>T. VCF-style: chr18-31521240-G-T. GRCh37 (hg19) VCF-style: chr18-29101203-G-T.
Other names: short protein forms A174S.
Identifiers: ClinVar variation 927434 (VCV000927434.4), dbSNP rs2073126518, ClinGen allele CA402132558.

ClinVar aggregate classification (germline): Uncertain significance (1 of 4 stars; one submission).

Conditions:
Cardiomyopathy (CMYO). Also called: Cardiomyopathies. Identifiers: Orphanet 167848, MedGen C0878544, MONDO:0004994, HP:0001638. Inheritance: Various modes of inheritance.

Allele frequency attached by ClinVar (database versions not stated): gnomAD exomes below 0.00001.

Submission:

Color Diagnostics, LLC DBA Color Health
Classification: Uncertain significance for Cardiomyopathy. Last evaluated: 2024-03-06. Review status: criteria provided, single submitter. Criteria: ACMG Guidelines, 2015. Collection method: clinical testing. Allele origin: germline.
Comment: This missense variant replaces alanine with serine at codon 174 of the DSG2 protein. Computational prediction suggests that this variant may not impact protein structure and function (internally defined REVEL score threshold <= 0.5, PMID: 27666373). To our knowledge, functional studies have not been reported for this variant. This variant has not been reported in individuals affected with cardiovascular disorders in the literature. This variant has not been identified in the general population by the Genome Aggregation Database (gnomAD). The available evidence is insufficient to determine the role of this variant in disease conclusively. Therefore, this variant is classified as a Variant of Uncertain Significance.